The following is an entry in ClinVar:

NM_000059.4(BRCA2):c.3195T>G (p.Ile1065Met)

Gene: BRCA2 (BRCA2 DNA repair associated; plus strand). Cytogenetic location: 13q13.1.
Variant type: single nucleotide variant.
Coding change: c.3195T>G on transcript NM_000059.4 (MANE Select); coding-DNA position 3195, T replaced by G.
Protein change: p.Ile1065Met; replaces isoleucine 1065 with methionine.
Molecular consequence: missense variant. On other transcripts: non-coding transcript variant (1), intron variant (2).
Genome position (GRCh38, 1-based): chr13:32,337,550, T>G. VCF-style: chr13-32337550-T-G. GRCh37 (hg19) VCF-style: chr13-32911687-T-G.
Other names: c.3195T>G, p.Ile1065Met (NM_001406719.1, NM_001406720.1, NM_001432077.1); c.1909+4163T>G (NM_001406721.1); c.424+6520T>G (NM_001406722.1); short protein forms I1065M.
Identifiers: ClinVar variation 3636455 (VCV003636455.2).

ClinVar aggregate classification (germline): Uncertain significance (1 of 4 stars; one submission).

Conditions:
Hereditary breast ovarian cancer syndrome. Also called: Hereditary breast and ovarian cancer syndrome; Hereditary breast and ovarian cancer syndrome (HBOC); BRCA1- and BRCA2-Associated Hereditary Breast and Ovarian Cancer; Hereditary breast and ovarian cancer; Breast and ovarian cancer; Hereditary breast and/or ovarian cancer syndrome. Identifiers: Orphanet 145, MedGen C0677776, MeSH D061325, MONDO:0003582. Disease mechanism: loss of function.

Submission:

Labcorp Genetics (formerly Invitae), Labcorp
Classification: Uncertain significance for Hereditary breast ovarian cancer syndrome. Last evaluated: 2024-06-04. Review status: criteria provided, single submitter. Criteria: Invitae Variant Classification Sherloc (09022015). Collection method: clinical testing. Allele origin: germline.
Comment: This sequence change replaces isoleucine, which is neutral and non-polar, with methionine, which is neutral and non-polar, at codon 1065 of the BRCA2 protein (p.Ile1065Met). This variant is not present in population databases (gnomAD no frequency). This variant has not been reported in the literature in individuals affected with BRCA2-related conditions. Advanced modeling of protein sequence and biophysical properties (such as structural, functional, and spatial information, amino acid conservation, physicochemical variation, residue mobility, and thermodynamic stability) performed at Invitae indicates that this missense variant is not expected to disrupt BRCA2 protein function with a negative predictive value of 95%. In summary, the available evidence is currently insufficient to determine the role of this variant in disease. Therefore, it has been classified as a Variant of Uncertain Significance.